The following is an entry in ClinVar:

NM_006790.3(MYOT):c.-233C>A

Genes: PKD2L2-DT (PKD2L2 divergent transcript; minus strand), MYOT (myotilin; plus strand). Cytogenetic location: 5q31.2.
Variant type: single nucleotide variant.
Coding change: c.-233C>A on transcript NM_006790.3 (MANE Select); 233 bases upstream of the start codon, C replaced by A.
Molecular consequence: 5 prime UTR variant.
Genome position (GRCh38, 1-based): chr5:137,867,932, C>A. VCF-style: chr5-137867932-C-A. GRCh37 (hg19) VCF-style: chr5-137203621-C-A.
Other names: c.-303C>A (NM_001135940.2); c.-227C>A (NM_001300911.2).
Identifiers: ClinVar variation 351019 (VCV000351019.7), dbSNP rs186433387, ClinGen allele CA10619098.

ClinVar aggregate classification (germline): Benign (1 of 4 stars; one submission).

Conditions:
Myofibrillar myopathy 3 (MFM3). Also called: Muscular dystrophy, proximal, type 1A; Autosomal dominant spheroid body myopathy. Identifiers: Orphanet 266, Orphanet 268129, MedGen C3714934, MONDO:0012215, OMIM 609200.

Allele frequency attached by ClinVar (database versions not stated): gnomAD 0.00069 and 0.00088; TOPMed 0.00077; 1000 Genomes Project 30x 0.00250; 1000 Genomes Project 0.00260.

Submission:

Illumina Laboratory Services, Illumina
Classification: Benign for Myofibrillar myopathy 3. Last evaluated: 2018-01-13. Review status: criteria provided, single submitter. Criteria: ICSL Variant Classification Criteria 13 December 2019. Collection method: clinical testing. Allele origin: germline.
Comment: This variant was observed in the ICSL laboratory as part of a predisposition screen in an ostensibly healthy population. It had not been previously curated by ICSL or reported in the Human Gene Mutation Database (HGMD: prior to June 1st, 2018), and was therefore a candidate for classification through an automated scoring system. Utilizing variant allele frequency, disease prevalence and penetrance estimates, and inheritance mode, an automated score was calculated to assess if this variant is too frequent to cause the disease. Based on the score and internal cut-off values, a variant classified as benign is not then subjected to further curation. The score for this variant resulted in a classification of benign for this disease.